The following is an entry in ClinVar:

ClinVar aggregate classification (germline): Pathogenic (1 of 4 stars; one submission).

Conditions:
Intellectual developmental disorder, autosomal recessive 65. Also called: Intellectual disability, autosomal recessive 65; MENTAL RETARDATION, AUTOSOMAL RECESSIVE 65. Identifiers: MedGen C4748219, MONDO:0020850, OMIM 618109.

Submission:

Victorian Clinical Genetics Services, Murdoch Childrens Research Institute
Classification: Pathogenic for Intellectual developmental disorder, autosomal recessive 65. Last evaluated: 2022-02-02. Review status: criteria provided, single submitter. Criteria: ACMG Guidelines, 2015. Collection method: clinical testing. Allele origin: germline. Inheritance: Autosomal dominant inheritance. Affected: yes.
Comment: Based on the classification scheme VCGS_Germline_v1.3.4, this variant is classified as Pathogenic. Following criteria are met: 0102 - Loss of function is a known mechanism of disease in this gene and is associated with KDM5B-related intellectual disability (MIM#618109). (I) 0108 - This gene is associated with both recessive and dominant disease. Biallelic pathogenic variants are associated with a more severe, syndromic intellectual disability (PMID: 29276005; DECIPHER). (I) 0112 - The condition associated with this gene has incomplete penetrance. It has been speculated for the autosomal dominant inheritance. An enrichment of de novo heterozygotes in a cohort of patients with developmental disorders has been observed. However, unaffected carriers of loss-of-function variants have also been reported (PMID: 30409806). (I) 0201 - Variant is predicted to cause nonsense-mediated decay (NMD) and loss of protein (premature termination codon is located at least 54 nucleotides upstream of the final exon-exon junction). (SP) 0251 - This variant is heterozygous. (I) 0301 - Variant is absent from gnomAD (both v2 and v3). (SP) 0701 - Other NMD-predicted variants comparable to the one identified in this case have very strong previous evidence for pathogenicity (ClinVar, DECIPHER). (SP) 0807 - This variant has no previous evidence of pathogenicity. (I) 0905 - No published segregation evidence has been identified for this variant. (I) 1007 - No published functional evidence has been identified for this variant. (SP) Legend: (SP) - Supporting pathogenic, (I) - Information, (SB) - Supporting benign

Literature cited by the submitters: PubMed 29276005; PubMed 30409806.

NM_006618.5(KDM5B):c.326_327del (p.Lys109fs)

Gene: KDM5B (lysine demethylase 5B; minus strand). Cytogenetic location: 1q32.1.
Variant type: Deletion.
Coding change: c.326_327del on transcript NM_006618.5 (MANE Select); coding-DNA positions 326 to 327, 2 bases deleted (AG; older notation c.326_327delAG).
Protein change: p.Lys109fs; shifts the reading frame from lysine 109.
Molecular consequence: frameshift variant.
Genome position (GRCh38, 1-based): chr1:202,774,691-202,774,692, CT deleted on the plus strand (AG on the coding strand, the reverse complement: KDM5B is on the minus strand). VCF-style (leftmost placement, unchanged base first): chr1-202774690-ACT-A. GRCh37 (hg19) VCF-style: chr1-202743818-ACT-A.
Other names: c.326_327del, p.Lys109fs (NM_001314042.2, NM_001347591.2); c.311_312del, p.Lys104fs (NM_001399817.1); short protein forms K104fs, K109fs.
Identifiers: ClinVar variation 3376907 (VCV003376907.1).